The following is an entry in ClinVar:

ClinVar aggregate classification (germline): Uncertain significance (1 of 4 stars; one submission).

Allele frequency attached by ClinVar (database versions not stated): ExAC 0.00001; gnomAD exomes 0.00001 and 0.00002.
gnomAD v4.1: 4 of 1,613,330 alleles (0.00025%); highest among the groups gnomAD compares: Admixed American, 0.0067%; no homozygotes.

Submission:

Labcorp Genetics (formerly Invitae), Labcorp
Classification: Uncertain significance. Last evaluated: 2024-02-14. Review status: criteria provided, single submitter. Criteria: Invitae Variant Classification Sherloc (09022015). Collection method: clinical testing. Allele origin: germline.
Comment: This sequence change replaces threonine, which is neutral and polar, with isoleucine, which is neutral and non-polar, at codon 398 of the CRB2 protein (p.Thr398Ile). This variant is present in population databases (rs767283156, gnomAD 0.01%). This variant has not been reported in the literature in individuals affected with CRB2-related conditions. ClinVar contains an entry for this variant (Variation ID: 1392986). Advanced modeling of protein sequence and biophysical properties (such as structural, functional, and spatial information, amino acid conservation, physicochemical variation, residue mobility, and thermodynamic stability) performed at Invitae indicates that this missense variant is not expected to disrupt CRB2 protein function with a negative predictive value of 80%. In summary, the available evidence is currently insufficient to determine the role of this variant in disease. Therefore, it has been classified as a Variant of Uncertain Significance.

NM_173689.7(CRB2):c.1193C>T (p.Thr398Ile)

Gene: CRB2 (crumbs cell polarity complex component 2; plus strand). Cytogenetic location: 9q33.3.
Variant type: single nucleotide variant.
Coding change: c.1193C>T on transcript NM_173689.7 (MANE Select); coding-DNA position 1193, C replaced by T.
Protein change: p.Thr398Ile; replaces threonine 398 with isoleucine.
Molecular consequence: missense variant. On other transcripts: non-coding transcript variant (1).
Genome position (GRCh38, 1-based): chr9:123,370,246, C>T. VCF-style: chr9-123370246-C-T. GRCh37 (hg19) VCF-style: chr9-126132525-C-T.
Other names: short protein forms T398I.
Identifiers: ClinVar variation 1392986 (VCV001392986.6), dbSNP rs767283156, ClinGen allele CA5231921.